The following is an entry in ClinVar:

ClinVar aggregate classification (germline): Likely pathogenic (1 of 4 stars; one submission).

Conditions:
Charcot-Marie-Tooth disease axonal type 2F (CMT2F). Also called: CHARCOT-MARIE-TOOTH DISEASE, NEURONAL, TYPE 2F; Charcot-Marie-Tooth Neuropathy Type 2F. Identifiers: Orphanet 99940, MedGen C1847823, MONDO:0011687, OMIM 606595.

Allele frequency attached by ClinVar (database versions not stated): gnomAD exomes 0.00001; ExAC 0.00002.
gnomAD v4.1: 3 of 1,506,814 alleles (0.0002%); highest among the groups gnomAD compares: Non-Finnish European, 0.00027%; no homozygotes.

Submission:

Labcorp Genetics (formerly Invitae), Labcorp
Classification: Likely pathogenic for Charcot-Marie-Tooth disease axonal type 2F. Last evaluated: 2022-07-18. Review status: criteria provided, single submitter. Criteria: Invitae Variant Classification Sherloc (09022015). Collection method: clinical testing. Allele origin: germline.
Comment: In summary, the currently available evidence indicates that the variant is pathogenic, but additional data are needed to prove that conclusively. Therefore, this variant has been classified as Likely Pathogenic. This sequence change replaces serine, which is neutral and polar, with alanine, which is neutral and non-polar, at codon 135 of the HSPB1 protein (p.Ser135Ala). This variant is present in population databases (rs766728475, gnomAD 0.002%). This missense change has been observed in individual(s) with clinical features of HSPB1-related conditions (PMID: 32397312). ClinVar contains an entry for this variant (Variation ID: 565333). Advanced modeling of protein sequence and biophysical properties (such as structural, functional, and spatial information, amino acid conservation, physicochemical variation, residue mobility, and thermodynamic stability) performed at Invitae indicates that this missense variant is expected to disrupt HSPB1 protein function. This variant disrupts the p.Ser135 amino acid residue in HSPB1. Other variant(s) that disrupt this residue have been determined to be pathogenic (PMID: 15122254, 18832141, 23963299, 27816334). This suggests that this residue is clinically significant, and that variants that disrupt this residue are likely to be disease-causing.

Literature cited by the submitters: PubMed 32397312; PubMed 15122254; PubMed 18832141; PubMed 23963299; PubMed 27816334.

NM_001540.5(HSPB1):c.403T>G (p.Ser135Ala)

Gene: HSPB1 (heat shock protein family B (small) member 1; plus strand). Cytogenetic location: 7q11.23.
Variant type: single nucleotide variant.
Coding change: c.403T>G on transcript NM_001540.5 (MANE Select); coding-DNA position 403, T replaced by G.
Protein change: p.Ser135Ala; replaces serine 135 with alanine.
Molecular consequence: missense variant.
Genome position (GRCh38, 1-based): chr7:76,303,840, T>G. VCF-style: chr7-76303840-T-G. GRCh37 (hg19) VCF-style: chr7-75933157-T-G.
Other names: c.403T>G (LRG_248t1); short protein forms S135A.
Identifiers: ClinVar variation 565333 (VCV000565333.8), dbSNP rs766728475, ClinGen allele CA4306380.